The following is an entry in ClinVar:

ClinVar aggregate classification (germline): Pathogenic/Likely pathogenic. Review status: criteria provided, multiple submitters, no conflicts (2 of 4 stars). 2 submissions from 2 submitters: Pathogenic (1); Likely pathogenic (1). Last evaluated 2022-03-18.

Conditions:
Marfan syndrome (MFS). Also called: FBN1-Related Marfan Syndrome; MARFAN SYNDROME, TYPE I; Marfan syndrome type 1; Marfan's syndrome; Marfan syndrome, classic. Identifiers: Orphanet 284963, Orphanet 558, MedGen C0024796, MONDO:0007947, OMIM 154700.
Familial thoracic aortic aneurysm and aortic dissection (TAAD). Also called: Thoracic aortic aneurysms and dissections. Identifiers: Orphanet 91387, MedGen C4707243, MONDO:0019625.

Submissions (2):

Labcorp Genetics (formerly Invitae), Labcorp
Classification: Pathogenic for Marfan syndrome; Familial thoracic aortic aneurysm and aortic dissection. Last evaluated: 2022-03-18. Review status: criteria provided, single submitter. Criteria: Invitae Variant Classification Sherloc (09022015). Collection method: clinical testing. Allele origin: germline.
Comment: For these reasons, this variant has been classified as Pathogenic. This variant affects a cysteine residue in the EGF-like, TGFBP or hybrid motif domains of FBN1. Cysteine residues are believed to be involved in intramolecular disulfide bridges and have been shown to be important for FBN1 protein structure (PMID: 16905551, 19349279). In addition, missense substitutions affecting cysteine residues within these domains are significantly overrepresented among patients with Marfan syndrome (PMID: 16571647, 17701892). Advanced modeling of protein sequence and biophysical properties (such as structural, functional, and spatial information, amino acid conservation, physicochemical variation, residue mobility, and thermodynamic stability) performed at Invitae indicates that this missense variant is expected to disrupt FBN1 protein function. ClinVar contains an entry for this variant (Variation ID: 963925). This missense change has been observed in individual(s) with clinical features of Marfan syndrome (PMID: 16222657, 27611364). In at least one individual the variant was observed to be de novo. This variant is not present in population databases (gnomAD no frequency). This sequence change replaces cysteine, which is neutral and slightly polar, with arginine, which is basic and polar, at codon 2571 of the FBN1 protein (p.Cys2571Arg).

CHEO Genetics Diagnostic Laboratory, Children's Hospital of Eastern Ontario
Classification: Likely pathogenic for Familial thoracic aortic aneurysm and aortic dissection. Last evaluated: 2022-03-16. Review status: criteria provided, single submitter. Criteria: ACMG Guidelines, 2015. Collection method: clinical testing. Allele origin: germline.

Literature cited by the submitters: PubMed 16905551 (cited by Labcorp Genetics (formerly Invitae), Labcorp); PubMed 19349279 (cited by Labcorp Genetics (formerly Invitae), Labcorp); PubMed 16571647 (cited by Labcorp Genetics (formerly Invitae), Labcorp); PubMed 17701892 (cited by Labcorp Genetics (formerly Invitae), Labcorp); PubMed 16222657 (cited by Labcorp Genetics (formerly Invitae), Labcorp); PubMed 27611364 (cited by Labcorp Genetics (formerly Invitae), Labcorp).

NM_000138.5(FBN1):c.7711T>C (p.Cys2571Arg)

Gene: FBN1 (fibrillin 1; minus strand). Cytogenetic location: 15q21.1.
Variant type: single nucleotide variant.
Coding change: c.7711T>C on transcript NM_000138.5 (MANE Select); coding-DNA position 7711, T replaced by C.
Protein change: p.Cys2571Arg; replaces cysteine 2571 with arginine.
Molecular consequence: missense variant.
Genome position (GRCh38, 1-based): chr15:48,420,795, A>G on the plus strand (T>C on the coding strand, the complement: FBN1 is on the minus strand). VCF-style: chr15-48420795-A-G. GRCh37 (hg19) VCF-style: chr15-48712992-A-G.
Other names: short protein forms C2571R.
Identifiers: ClinVar variation 963925 (VCV000963925.11), dbSNP rs2042934926, ClinGen allele CA392324830.